The following is an entry in ClinVar:

NM_000719.7(CACNA1C):c.4773G>T (p.Lys1591Asn)

Gene: CACNA1C (calcium voltage-gated channel subunit alpha1 C; plus strand). Cytogenetic location: 12p13.33.
Variant type: single nucleotide variant.
Coding change: c.4773G>T on transcript NM_000719.7 (MANE Select); coding-DNA position 4773, G replaced by T.
Protein change: p.Lys1591Asn; replaces lysine 1591 with asparagine.
Molecular consequence: missense variant.
Genome position (GRCh38, 1-based): chr12:2,674,587, G>T. VCF-style: chr12-2674587-G-T. GRCh37 (hg19) VCF-style: chr12-2783753-G-T.
Other names: p.K1591N:AAG>AAT; p.Lys1591Asn; c.4917G>T, p.Lys1639Asn (NM_001129827.2, NM_199460.4); c.4896G>T, p.Lys1632Asn (NM_001129829.2); c.4773G>T, p.Lys1591Asn (NM_001129830.3, NM_001129840.2, NM_001129841.2 and 4 more transcripts); c.4857G>T, p.Lys1619Asn (NM_001129831.2); c.4833G>T, p.Lys1611Asn (NM_001129832.2); c.4830G>T, p.Lys1610Asn (NM_001129833.2, NM_001129834.2, NM_001129835.2); and 5 more; short protein forms K1591N, K1639N, K1580N, K1608N, K1611N, K1599N, K1588N, K1619N.
Identifiers: ClinVar variation 190673 (VCV000190673.17), dbSNP rs786205763, ClinGen allele CA301527.
Genomic context (GRCh38, chr12:2,674,587, plus strand): 5'-TTTCCGCCCTGCAGGGAACCTAGAACAAGCCAATGAGGAGCTGCGGGCGATCATCAAGAA[G>T]ATCTGGAAGCGGACCAGCATGAAGCTGCTGGACCAGGTGGTGCCCCCTGCAGGTGGTGAG-3'
Protein context (NP_000710.5, residues 1581-1601): ANEELRAIIK[Lys1591Asn]IWKRTSMKLL

ClinVar aggregate classification (germline): Uncertain significance. Review status: criteria provided, multiple submitters, no conflicts (2 of 4 stars). 6 submissions from 6 submitters: Uncertain significance (6). Last evaluated 2026-01-23.

Conditions:
Cardiovascular phenotype. Identifiers: MedGen CN230736.
Long QT syndrome 8. Identifiers: MedGen CN260585, MONDO:0032756, OMIM 618447.
Brugada syndrome 3 (BRGDA3). Identifiers: Orphanet 130, MedGen C2678478, MONDO:0012742, OMIM 611875.
Timothy syndrome (TS). Also called: LONG QT SYNDROME WITH SYNDACTYLY. Identifiers: Orphanet 65283, MedGen C1832916, MeSH C536962, MONDO:0010979, OMIM 601005.
Long QT syndrome (LQTS). Identifiers: MedGen C0023976, MeSH D008133, MONDO:0002442. Disease mechanism: loss of function. Inheritance: Various modes of inheritance.

Allele frequency attached by ClinVar (database versions not stated): gnomAD exomes 0.00001.
gnomAD v4.1: 11 of 1,576,356 alleles (0.0007%); highest among the groups gnomAD compares: Non-Finnish European, 0.00095%; no homozygotes.

Submissions (6):

Labcorp Genetics (formerly Invitae), Labcorp
Classification: Uncertain significance for Long QT syndrome. Last evaluated: 2026-01-23. Review status: criteria provided, single submitter. Criteria: Invitae Variant Classification Sherloc (09022015). Collection method: clinical testing. Allele origin: germline.
Comment: This sequence change replaces lysine, which is basic and polar, with asparagine, which is neutral and polar, at codon 1591 of the CACNA1C protein (p.Lys1591Asn). This variant is not present in population databases (gnomAD no frequency). This variant has not been reported in the literature in individuals affected with CACNA1C-related conditions. ClinVar contains an entry for this variant (Variation ID: 190673). Invitae Evidence Modeling of protein sequence and biophysical properties (such as structural, functional, and spatial information, amino acid conservation, physicochemical variation, residue mobility, and thermodynamic stability) indicates that this missense variant is expected to disrupt CACNA1C protein function with a positive predictive value of 80%. In summary, the available evidence is currently insufficient to determine the role of this variant in disease. Therefore, it has been classified as a Variant of Uncertain Significance.

Blueprint Genetics
Classification: Uncertain significance. Last evaluated: 2024-10-28. Review status: criteria provided, single submitter. Criteria: ACMG Guidelines, 2015. Collection method: clinical testing. Allele origin: germline.

Mayo Clinic Laboratories, Mayo Clinic
Classification: Uncertain significance. Last evaluated: 2024-05-16. Review status: criteria provided, single submitter. Criteria: ACMG Guidelines, 2015. Collection method: clinical testing. Allele origin: germline. Observed: 1 variant allele.
Comment: PP2

Fulgent Genetics
Classification: Uncertain significance for Timothy syndrome; Brugada syndrome 3; Long QT syndrome 8. Last evaluated: 2021-08-23. Review status: criteria provided, single submitter. Criteria: ACMG Guidelines, 2015. Collection method: clinical testing. Allele origin: unknown.

GeneDx
Classification: Uncertain significance. Last evaluated: 2019-08-15. Review status: criteria provided, single submitter. Criteria: GeneDx Variant Classification Process June 2021. Collection method: clinical testing. Allele origin: germline. Affected: yes.
Comment: Has not been previously published as pathogenic or benign to our knowledge; Reported in ClinVar as a variant of uncertain significance but additional evidence is not available (ClinVar Variant ID# 190673; Landrum et al., 2016); Not observed in large population cohorts (Lek et al., 2016); In silico analysis, which includes protein predictors and evolutionary conservation, supports a deleterious effect

Ambry Genetics
Classification: Uncertain significance for Cardiovascular phenotype. Last evaluated: 2019-03-25. Review status: criteria provided, single submitter. Criteria: Ambry Variant Classification Scheme 2023. Collection method: clinical testing. Allele origin: germline.
Comment: The p.K1591N variant (also known as c.4773G>T), located in coding exon 39 of the CACNA1C gene, results from a G to T substitution at nucleotide position 4773. The lysine at codon 1591 is replaced by asparagine, an amino acid with similar properties. This amino acid position is highly conserved in available vertebrate species. In addition, the in silico prediction for this alteration is inconclusive. Since supporting evidence is limited at this time, the clinical significance of this alteration remains unclear.